The following is an entry in ClinVar:

ClinVar aggregate classification (germline): Likely pathogenic (1 of 4 stars; one submission).

Conditions:
Primary ciliary dyskinesia 19. Also called: CILIARY DYSKINESIA, PRIMARY, 19, WITH OR WITHOUT SITUS INVERSUS. Identifiers: Orphanet 244, MedGen C3543826, MONDO:0013979, OMIM 614935.

Submission:

Labcorp Genetics (formerly Invitae), Labcorp
Classification: Likely pathogenic for Primary ciliary dyskinesia 19. Last evaluated: 2022-07-05. Review status: criteria provided, single submitter. Criteria: Invitae Variant Classification Sherloc (09022015). Collection method: clinical testing. Allele origin: germline.
Comment: In summary, the currently available evidence indicates that the variant is pathogenic, but additional data are needed to prove that conclusively. Therefore, this variant has been classified as Likely Pathogenic. A similar copy number variant has been observed in individual(s) with clinical features of primary ciliary dyskinesia (Invitae). This variant is a gross deletion of the genomic region encompassing exon(s) 12 of the LRRC6 gene, which includes the termination codon. This deletion extends beyond the assayed region for this gene and therefore may encompass additional genes. While this deletion is not anticipated to lead to nonsense mediated decay, it is expected to alter mRNA translation or result in a truncated protein product.

NC_000008.10:g.(?_133584534)_(133584748_?)del

Gene: DNAAF11 (dynein axonemal assembly factor 11; minus strand). Cytogenetic location: 8q24.22.
Variant type: Deletion.
Identifiers: ClinVar variation 1066413 (VCV001066413.8).